The following is an entry in ClinVar:

ClinVar aggregate classification (germline): Uncertain significance (1 of 4 stars; one submission).

gnomAD v4.1: 3 of 1,083,622 alleles (0.00028%); highest among the groups gnomAD compares: Non-Finnish European, 0.00041%; no homozygotes.

Submission:

GeneDx
Classification: Uncertain significance. Last evaluated: 2016-08-26. Review status: criteria provided, single submitter. Criteria: GeneDx Variant Classification (06012015). Collection method: clinical testing. Allele origin: germline. Affected: yes.
Comment: This variant is denoted AXIN2 c.-116-2A>T or IVS1-2A>T and consists of a G>A nucleotide substitution at the -1 position of intron 1 of the AXIN2 gene. Of note, this nucleotide substitution is in the 5Â’ untranslated region (UTR), 116 base pairs upstream of the AXIN2 ATG translational start site which is located in exon 2. This variant is predicted to destroy the canonical splice acceptor site in intron 1, possibly leading to exon 2 skipping; however, in the absence of RNA or functional studies, the actual effect of this variant is unknown. This variant has not, to our knowledge, been published in the literature. At this time, we consider AXIN2 c.-116-2A>T to be a variant of uncertain significance.

NM_004655.4(AXIN2):c.-116-2A>T

Gene: AXIN2 (axin 2; minus strand). Cytogenetic location: 17q24.1.
Variant type: single nucleotide variant.
Coding change: c.-116-2A>T on transcript NM_004655.4 (MANE Select); the canonical splice acceptor site of the intron before 116 bases upstream of the start codon, A replaced by T.
Molecular consequence: splice acceptor variant.
Genome position (GRCh38, 1-based): chr17:65,558,738, T>A on the plus strand (A>T on the coding strand, the complement: AXIN2 is on the minus strand). VCF-style: chr17-65558738-T-A. GRCh37 (hg19) VCF-style: chr17-63554856-T-A.
Other names: c.-116-2A>T (NM_001363813.1).
Identifiers: ClinVar variation 422095 (VCV000422095.2), dbSNP rs1064795553, ClinGen allele CA16620580.